The following is an entry in ClinVar:

ClinVar aggregate classification (germline): Conflicting classifications of pathogenicity. Review status: criteria provided, conflicting classifications (1 of 4 stars). 6 submissions from 5 submitters: Uncertain significance (5); Likely benign (1). Last evaluated 2025-05-13.

Conditions:
Autosomal recessive nonsyndromic hearing loss 37. Identifiers: Orphanet 90636, MedGen C1843028, MONDO:0011912, OMIM 607821.
Autosomal dominant nonsyndromic hearing loss 22. Also called: Autosomal dominant nonsyndromic deafness 22; DFNA 22. Identifiers: Orphanet 228012, MedGen C2931767, MONDO:0011660, OMIM 606346.
MYO6-related disorder. Also called: MYO6-related condition; MYO6-related disorders.
Inborn genetic diseases. Identifiers: MedGen C0950123, MeSH D030342.

Allele frequency attached by ClinVar (database versions not stated): TOPMed 0.00004.
gnomAD v4.1: 114 of 1,613,782 alleles (0.0071%); highest among the groups gnomAD compares: Middle Eastern, 0.017%; 1 homozygote.

Submissions (6):

Labcorp Genetics (formerly Invitae), Labcorp
Classification: Likely benign. Last evaluated: 2025-05-13. Review status: criteria provided, single submitter. Criteria: Invitae Variant Classification Sherloc (09022015). Collection method: clinical testing. Allele origin: germline.

PreventionGenetics, part of Exact Sciences
Classification: Uncertain significance for MYO6-related condition. Last evaluated: 2025-04-11. Review status: criteria provided, single submitter. Criteria: ACMG Guidelines, 2015. Collection method: clinical testing. Allele origin: germline.
Comment: The MYO6 c.2972G>T variant is predicted to result in the amino acid substitution p.Arg991Leu. To our knowledge, this variant has not been reported in the literature. This variant is reported in 0.13% of alleles in individuals of Ashkenazi Jewish descent in gnomAD. Although we suspect that this variant may be benign, at this time, the clinical significance of this variant is uncertain due to the absence of conclusive functional and genetic evidence.

Ambry Genetics
Classification: Uncertain significance for Inborn genetic diseases. Last evaluated: 2024-06-17. Review status: criteria provided, single submitter. Criteria: Ambry Variant Classification Scheme 2023. Collection method: clinical testing. Allele origin: germline.

Fulgent Genetics
Classification: Uncertain significance for Autosomal dominant nonsyndromic hearing loss 22; Autosomal recessive nonsyndromic hearing loss 37. Last evaluated: 2021-08-06. Review status: criteria provided, single submitter. Criteria: ACMG Guidelines, 2015. Collection method: clinical testing. Allele origin: unknown.

Illumina Laboratory Services, Illumina
Classification: Uncertain significance for Autosomal dominant nonsyndromic hearing loss 22. Last evaluated: 2018-01-12. Review status: criteria provided, single submitter. Criteria: ICSL Variant Classification Criteria 13 December 2019. Collection method: clinical testing. Allele origin: germline.

Illumina Laboratory Services, Illumina
Classification: Uncertain significance for Autosomal recessive nonsyndromic hearing loss 37. Last evaluated: 2018-01-12. Review status: criteria provided, single submitter. Criteria: ICSL Variant Classification Criteria 13 December 2019. Collection method: clinical testing. Allele origin: germline.

NM_004999.4(MYO6):c.2972G>T (p.Arg991Leu)

Gene: MYO6 (myosin VI; plus strand). Cytogenetic location: 6q14.1.
Variant type: single nucleotide variant.
Coding change: c.2972G>T on transcript NM_004999.4 (MANE Select); coding-DNA position 2972, G replaced by T.
Protein change: p.Arg991Leu; replaces arginine 991 with leucine.
Molecular consequence: missense variant. On other transcripts: non-coding transcript variant (1).
Genome position (GRCh38, 1-based): chr6:75,892,555, G>T. VCF-style: chr6-75892555-G-T. GRCh37 (hg19) VCF-style: chr6-76602272-G-T.
Other names: c.2972G>T, p.Arg991Leu (NM_001300899.2, NM_001368136.1, NM_001368137.1 and 2 more transcripts); c.2957G>T, p.Arg986Leu (NM_001368138.1); short protein forms R986L, R991L.
Identifiers: ClinVar variation 911844 (VCV000911844.12), dbSNP rs529167250, ClinGen allele CA3897520.